The following is an entry in ClinVar:

NM_024301.5(FKRP):c.344C>G (p.Ser115Trp)

Gene: FKRP (fukutin related protein; plus strand). Cytogenetic location: 19q13.32.
Variant type: single nucleotide variant.
Coding change: c.344C>G on transcript NM_024301.5 (MANE Select); coding-DNA position 344, C replaced by G.
Protein change: p.Ser115Trp; replaces serine 115 with tryptophan.
Molecular consequence: missense variant.
Genome position (GRCh38, 1-based): chr19:46,755,794, C>G. VCF-style: chr19-46755794-C-G. GRCh37 (hg19) VCF-style: chr19-47259051-C-G.
Other names: c.344C>G, p.Ser115Trp (NM_001039885.3); short protein forms S115W.
Identifiers: ClinVar variation 1372884 (VCV001372884.8), dbSNP rs752018916, ClinGen allele CA9532144.

ClinVar aggregate classification (germline): Uncertain significance. Review status: criteria provided, multiple submitters, no conflicts (2 of 4 stars). 3 submissions from 3 submitters: Uncertain significance (3). Last evaluated 2024-09-03.

Conditions:
Cardiovascular phenotype. Identifiers: MedGen CN230736.
Walker-Warburg congenital muscular dystrophy. Also called: Muscular dystrophy-dystroglycanopathy, type A; Walker-Warburg syndrome. Identifiers: Orphanet 899, MedGen C0265221, MONDO:0000171.

Submissions (3):

Blueprint Genetics
Classification: Uncertain significance. Last evaluated: 2024-09-03. Review status: criteria provided, single submitter. Criteria: ACMG Guidelines, 2015. Collection method: clinical testing. Allele origin: germline.

Ambry Genetics
Classification: Uncertain significance for Cardiovascular phenotype. Last evaluated: 2022-07-06. Review status: criteria provided, single submitter. Criteria: Ambry Variant Classification Scheme 2023. Collection method: clinical testing. Allele origin: germline.
Comment: The p.S115W variant (also known as c.344C>G), located in coding exon 1 of the FKRP gene, results from a C to G substitution at nucleotide position 344. The serine at codon 115 is replaced by tryptophan, an amino acid with highly dissimilar properties. This amino acid position is conserved. In addition, the in silico prediction for this alteration is inconclusive. Since supporting evidence is limited at this time, the clinical significance of this alteration remains unclear.

Labcorp Genetics (formerly Invitae), Labcorp
Classification: Uncertain significance for Walker-Warburg congenital muscular dystrophy. Last evaluated: 2021-09-01. Review status: criteria provided, single submitter. Criteria: Invitae Variant Classification Sherloc (09022015). Collection method: clinical testing. Allele origin: germline.
Comment: This sequence change replaces serine with tryptophan at codon 115 of the FKRP protein (p.Ser115Trp). The serine residue is moderately conserved and there is a large physicochemical difference between serine and tryptophan. The frequency data for this variant in the population databases is considered unreliable, as metrics indicate poor data quality at this position in the ExAC database. This variant has not been reported in the literature in individuals affected with FKRP-related conditions. Algorithms developed to predict the effect of missense changes on protein structure and function (SIFT, PolyPhen-2, Align-GVGD) all suggest that this variant is likely to be tolerated. In summary, the available evidence is currently insufficient to determine the role of this variant in disease. Therefore, it has been classified as a Variant of Uncertain Significance.